The following is an entry in ClinVar:

NM_004655.4(AXIN2):c.2011_2023delinsT (p.Arg671_Arg675delinsCys)

Gene: AXIN2 (axin 2; minus strand). Cytogenetic location: 17q24.1.
Variant type: Indel.
Coding change: c.2011_2023delinsT on transcript NM_004655.4 (MANE Select); coding-DNA positions 2011 to 2023, CGCACCACCCCCC replaced by T.
Protein change: p.Arg671_Arg675delinsCys.
Molecular consequence: inframe indel.
Genome position (GRCh38, 1-based): chr17:65,536,438-65,536,450, GGGGGGTGGTGCG replaced by A on the plus strand (CGCACCACCCCCC replaced by T on the coding strand, the reverse complement: AXIN2 is on the minus strand). VCF-style: chr17-65536438-GGGGGGTGGTGCG-A. GRCh37 (hg19) VCF-style: chr17-63532556-GGGGGGTGGTGCG-A.
Other names: c.2011_2023del13insT (NM_004655.3); c.1816_1828delinsT, p.Arg606_Arg610delinsCys (NM_001363813.1).
Identifiers: ClinVar variation 1309400 (VCV001309400.4), dbSNP rs2144441758, ClinGen allele CA2573054549.
Genomic context (GRCh38, chr17:65,536,438, plus strand): 5'-CCAGCGTGTTGGGTGGGGTCAGGGGAGGCATCGCAGGGTCCTGGGTGAACAGGTGGGCAC[GGGGGGTGGTGCG>A]GGGGTGCCCGCTGTTGCCCCCCCACAGATGGTGCCGGCTGGCTCGTTCGCCTGGAGACGA-3'

ClinVar aggregate classification (germline): Uncertain significance. Review status: criteria provided, multiple submitters, no conflicts (2 of 4 stars). 2 submissions from 2 submitters: Uncertain significance (2). Last evaluated 2023-06-21.

Conditions:
Hereditary cancer-predisposing syndrome. Also called: Tumor predisposition; Neoplastic Syndromes, Hereditary; Hereditary Cancer Syndrome; Hereditary neoplastic syndrome. Identifiers: Orphanet 140162, MedGen C0027672, MeSH D009386, MONDO:0015356.

Submissions (2):

Ambry Genetics
Classification: Uncertain significance for Hereditary cancer-predisposing syndrome. Last evaluated: 2023-06-21. Review status: criteria provided, single submitter. Criteria: Ambry Variant Classification Scheme 2023. Collection method: clinical testing. Allele origin: germline.
Comment: The c.2011_2023del13insT variant (also known as p.R671_R675delinsC), located in coding exon 7 of the AXIN2 gene, results from an in-frame deletion of 13 nucleotides (CGCACCACCCCCC) and insertion of T at nucleotide positions 2011 to 2023. This results in an in-frame deletion of 5 amino acids (RTTPR) and insertion of a a cysteine residue between codons 671 and 675. This amino acid region is generally not well conserved in available vertebrate species. In addition, the in silico prediction for this alteration is inconclusive (Choi Y et al. PLoS ONE. 2012; 7(10):e46688). Since supporting evidence is limited at this time, the clinical significance of this alteration remains unclear.

GeneDx
Classification: Uncertain significance. Last evaluated: 2019-10-09. Review status: criteria provided, single submitter. Criteria: GeneDx Variant Classification Process June 2021. Collection method: clinical testing. Allele origin: germline. Affected: yes.
Comment: In-frame deletion of 5 amino acids and insertion of one incorrect amino acid in a non-repeat region; In silico analysis, which includes protein predictors and evolutionary conservation, supports a deleterious effect; Not observed in large population cohorts (Lek et al., 2016); Has not been previously published as pathogenic or benign to our knowledge